The following is an entry in ClinVar:

ClinVar aggregate classification (germline): Uncertain significance (1 of 4 stars; one submission).

Conditions:
Inborn genetic diseases. Identifiers: MedGen C0950123, MeSH D030342.

Submission:

Ambry Genetics
Classification: Uncertain significance for Inborn genetic diseases. Last evaluated: 2025-11-24. Review status: criteria provided, single submitter. Criteria: Ambry Variant Classification Scheme 2023. Collection method: clinical testing. Allele origin: germline.
Comment: The p.Q282R variant (also known as c.845A>G), located in coding exon 9 of the ASXL1 gene, results from an A to G substitution at nucleotide position 845. The glutamine at codon 282 is replaced by arginine, an amino acid with highly similar properties. This amino acid position is conserved. In addition, the in silico prediction for this alteration is inconclusive. Based on the available evidence, the clinical significance of this variant remains unclear.

NM_015338.6(ASXL1):c.845A>G (p.Gln282Arg)

Gene: ASXL1 (ASXL transcriptional regulator 1; plus strand). Cytogenetic location: 20q11.21.
Variant type: single nucleotide variant.
Coding change: c.845A>G on transcript NM_015338.6 (MANE Select); coding-DNA position 845, A replaced by G.
Protein change: p.Gln282Arg; replaces glutamine 282 with arginine.
Molecular consequence: missense variant.
Genome position (GRCh38, 1-based): chr20:32,431,447, A>G. VCF-style: chr20-32431447-A-G. GRCh37 (hg19) VCF-style: chr20-31019250-A-G.
Other names: c.662A>G, p.Gln221Arg (NM_001363734.1); short protein forms Q221R, Q282R.
Identifiers: ClinVar variation 4588726 (VCV004588726.1).